The following is an entry in ClinVar:

ClinVar aggregate classification (germline): Uncertain significance (1 of 4 stars; one submission).

Conditions:
Neurofibromatosis, type 1 (NF1). Also called: Peripheral type neurofibromatosis; NEUROFIBROMATOSIS, TYPE I, SOMATIC; VON RECKLINGHAUSEN DISEASE; Neurofibromatosis, type I. Identifiers: Orphanet 636, MedGen C0027831, MONDO:0018975, OMIM 162200. Disease mechanism: loss of function.

Submission:

Labcorp Genetics (formerly Invitae), Labcorp
Classification: Uncertain significance for Neurofibromatosis, type 1. Last evaluated: 2023-10-24. Review status: criteria provided, single submitter. Criteria: Invitae Variant Classification Sherloc (09022015). Collection method: clinical testing. Allele origin: germline.
Comment: This sequence change falls in intron 50 of the NF1 gene. It does not directly change the encoded amino acid sequence of the NF1 protein. This variant is not present in population databases (gnomAD no frequency). This variant has not been reported in the literature in individuals affected with NF1-related conditions. Algorithms developed to predict the effect of sequence changes on RNA splicing suggest that this variant may disrupt the consensus splice site. In summary, the available evidence is currently insufficient to determine the role of this variant in disease. Therefore, it has been classified as a Variant of Uncertain Significance.

NM_001042492.3(NF1):c.7616-13C>G

Gene: NF1 (neurofibromin 1; plus strand). Cytogenetic location: 17q11.2.
Variant type: single nucleotide variant.
Coding change: c.7616-13C>G on transcript NM_001042492.3 (MANE Select); 13 bases into the intron before coding-DNA position 7616, C replaced by G.
Molecular consequence: intron variant.
Genome position (GRCh38, 1-based): chr17:31,356,447, C>G. VCF-style: chr17-31356447-C-G. GRCh37 (hg19) VCF-style: chr17-29683465-C-G.
Other names: c.7553-13C>G (NM_000267.4).
Identifiers: ClinVar variation 2751099 (VCV002751099.3), dbSNP rs2508823604, ClinGen allele CA2697559633.
Genomic context (GRCh38, chr17:31,356,447, plus strand): 5'-TTTCTTTTTAGTGTATTCCCATTTATAGACACTGTAGTTAATGAACTTGCATATTCTTAA[C>G]TTTTGTTTATAGGAACAAGGAAAAGTTTTGATCACTTGATATCAGACACAAAGGCTCCTA-3'